The following is an entry in ClinVar:

ClinVar aggregate classification (germline): Uncertain significance (1 of 4 stars; one submission).

Submission:

Ambry Genetics
Classification: Uncertain significance. Last evaluated: 2025-11-12. Review status: criteria provided, single submitter. Criteria: Ambry Variant Classification Scheme 2023. Collection method: clinical testing. Allele origin: germline.
Comment: The p.S277Y variant (also known as c.830C>A), located in coding exon 4 of the GFI1 gene, results from a C to A substitution at nucleotide position 830. The serine at codon 277 is replaced by tyrosine, an amino acid with dissimilar properties. This amino acid position is conserved. In addition, this alteration is predicted to be tolerated by in silico analysis. Based on the available evidence, the clinical significance of this variant remains unclear.

NM_005263.5(GFI1):c.830C>A (p.Ser277Tyr)

Gene: GFI1 (growth factor independent 1 transcriptional repressor; minus strand). Cytogenetic location: 1p22.1.
Variant type: single nucleotide variant.
Coding change: c.830C>A on transcript NM_005263.5 (MANE Select); coding-DNA position 830, C replaced by A.
Protein change: p.Ser277Tyr; replaces serine 277 with tyrosine.
Molecular consequence: missense variant.
Genome position (GRCh38, 1-based): chr1:92,480,442, G>T on the plus strand (C>A on the coding strand, the complement: GFI1 is on the minus strand). VCF-style: chr1-92480442-G-T. GRCh37 (hg19) VCF-style: chr1-92945999-G-T.
Other names: c.830C>A, p.Ser277Tyr (NM_001127215.3, NM_001127216.3); short protein forms S277Y.
Identifiers: ClinVar variation 4671599 (VCV004671599.1).